The following is an entry in ClinVar:

ClinVar aggregate classification (germline): Uncertain significance. Review status: criteria provided, multiple submitters, no conflicts (2 of 4 stars). 4 submissions from 4 submitters: Uncertain significance (3). 1 of the submissions does not count toward it. Last evaluated 2025-02-27.

Conditions:
Walker-Warburg congenital muscular dystrophy. Also called: Muscular dystrophy-dystroglycanopathy, type A; Walker-Warburg syndrome. Identifiers: Orphanet 899, MedGen C0265221, MONDO:0000171.
Cardiovascular phenotype. Identifiers: MedGen CN230736.
Autosomal recessive limb-girdle muscular dystrophy type 2I. Also called: MUSCULAR DYSTROPHY-DYSTROGLYCANOPATHY (LIMB-GIRDLE), TYPE C, 5; MUSCULAR DYSTROPHY, LIMB-GIRDLE, TYPE 2I; MUSCULAR DYSTROPHY-DYSTROGLYCANOPATHY, LIMB-GIRDLE, FRKP-RELATED. Identifiers: Orphanet 34515, MedGen C1846672, MONDO:0011787, OMIM 607155.

Allele frequency attached by ClinVar (database versions not stated): gnomAD 0.00002; TOPMed 0.00008.

Submissions (4):

Ambry Genetics
Classification: Uncertain significance for Cardiovascular phenotype. Last evaluated: 2025-02-27. Review status: criteria provided, single submitter. Criteria: Ambry Variant Classification Scheme 2023. Collection method: clinical testing. Allele origin: germline.
Comment: The p.H29Y variant (also known as c.85C>T), located in coding exon 1 of the FKRP gene, results from a C to T substitution at nucleotide position 85. The histidine at codon 29 is replaced by tyrosine, an amino acid with similar properties. This variant has been reported in a limb-girdle muscular dystrophy cohort (Nallamilli BRR et al. Ann Clin Transl Neurol, 2018 Dec;5:1574-1587). This amino acid position is not well conserved in available vertebrate species. In addition, the in silico prediction for this alteration is inconclusive. Based on the available evidence, the clinical significance of this variant remains unclear.

Labcorp Genetics (formerly Invitae), Labcorp
Classification: Uncertain significance for Walker-Warburg congenital muscular dystrophy. Last evaluated: 2022-08-01. Review status: criteria provided, single submitter. Criteria: Invitae Variant Classification Sherloc (09022015). Collection method: clinical testing. Allele origin: germline.
Comment: This sequence change replaces histidine, which is basic and polar, with tyrosine, which is neutral and polar, at codon 29 of the FKRP protein (p.His29Tyr). This variant is not present in population databases (gnomAD no frequency). This missense change has been observed in individual(s) with limb-girdle muscular dystrophy (PMID: 30564623). ClinVar contains an entry for this variant (Variation ID: 285735). Algorithms developed to predict the effect of missense changes on protein structure and function (SIFT, PolyPhen-2, Align-GVGD) all suggest that this variant is likely to be tolerated. In summary, the available evidence is currently insufficient to determine the role of this variant in disease. Therefore, it has been classified as a Variant of Uncertain Significance.

Eurofins Ntd Llc (ga)
Classification: Uncertain significance. Last evaluated: 2016-01-23. Review status: criteria provided, single submitter. Criteria: EGL Classification Definitions 2015. Collection method: clinical testing. Allele origin: germline. Observed: 1 variant allele, 1 heterozygote.

Natera, Inc.
Classification: Uncertain significance for Limb-girdle muscular dystrophy type 2I. Last evaluated: 2020-05-04. Review status: no assertion criteria provided. Collection method: clinical testing. Allele origin: germline. Not counted in ClinVar's aggregate classification.

Literature cited by the submitters: PubMed 30564623 (cited by Ambry Genetics and Labcorp Genetics (formerly Invitae), Labcorp).

NM_024301.5(FKRP):c.85C>T (p.His29Tyr)

Gene: FKRP (fukutin related protein; plus strand). Cytogenetic location: 19q13.32.
Variant type: single nucleotide variant.
Coding change: c.85C>T on transcript NM_024301.5 (MANE Select); coding-DNA position 85, C replaced by T.
Protein change: p.His29Tyr; replaces histidine 29 with tyrosine.
Molecular consequence: missense variant.
Genome position (GRCh38, 1-based): chr19:46,755,535, C>T. VCF-style: chr19-46755535-C-T. GRCh37 (hg19) VCF-style: chr19-47258792-C-T.
Other names: c.85C>T (NM_024301.4); c.85C>T, p.His29Tyr (NM_001039885.3); short protein forms H29Y.
Identifiers: ClinVar variation 285735 (VCV000285735.11), dbSNP rs886043192, ClinGen allele CA10605222.